The following is an entry in ClinVar:

ClinVar aggregate classification (germline): Uncertain significance. Review status: criteria provided, multiple submitters, no conflicts (2 of 4 stars). 2 submissions from 2 submitters: Uncertain significance (2). Last evaluated 2025-06-10.

Conditions:
Inborn genetic diseases. Identifiers: MedGen C0950123, MeSH D030342.

Allele frequency attached by ClinVar (database versions not stated): gnomAD 0.00001; TOPMed 0.00002.
gnomAD v4.1: 2 of 1,604,474 alleles (0.00012%); highest among the groups gnomAD compares: African/African-American, 0.0027%; no homozygotes.

Submissions (2):

Labcorp Genetics (formerly Invitae), Labcorp
Classification: Uncertain significance. Last evaluated: 2025-06-10. Review status: criteria provided, single submitter. Criteria: Invitae Variant Classification Sherloc (09022015). Collection method: clinical testing. Allele origin: germline.
Comment: This sequence change replaces aspartic acid, which is acidic and polar, with glycine, which is neutral and non-polar, at codon 548 of the DNA2 protein (p.Asp548Gly). This variant is present in population databases (no rsID available, gnomAD 0.006%). This variant has not been reported in the literature in individuals affected with DNA2-related conditions. ClinVar contains an entry for this variant (Variation ID: 1972971). Invitae Evidence Modeling of protein sequence and biophysical properties (such as structural, functional, and spatial information, amino acid conservation, physicochemical variation, residue mobility, and thermodynamic stability) indicates that this missense variant is not expected to disrupt DNA2 protein function with a negative predictive value of 80%. In summary, the available evidence is currently insufficient to determine the role of this variant in disease. Therefore, it has been classified as a Variant of Uncertain Significance.

Ambry Genetics
Classification: Uncertain significance for Inborn genetic diseases. Last evaluated: 2025-06-06. Review status: criteria provided, single submitter. Criteria: Ambry Variant Classification Scheme 2023. Collection method: clinical testing. Allele origin: germline.

NM_001080449.3(DNA2):c.1643A>G (p.Asp548Gly)

Gene: DNA2 (DNA replication helicase/nuclease 2; minus strand). Cytogenetic location: 10q21.3.
Variant type: single nucleotide variant.
Coding change: c.1643A>G on transcript NM_001080449.3 (MANE Select); coding-DNA position 1643, A replaced by G.
Protein change: p.Asp548Gly; replaces aspartic acid 548 with glycine.
Molecular consequence: missense variant. On other transcripts: non-coding transcript variant (1).
Genome position (GRCh38, 1-based): chr10:68,437,014, T>C on the plus strand (A>G on the coding strand, the complement: DNA2 is on the minus strand). VCF-style: chr10-68437014-T-C. GRCh37 (hg19) VCF-style: chr10-70196771-T-C.
Other names: c.1643A>G (NM_001080449.2); short protein forms D548G.
Identifiers: ClinVar variation 1972971 (VCV001972971.6), dbSNP rs1333784640, ClinGen allele CA376859694.